The following is an entry in ClinVar:

NM_020247.5(COQ8A):c.1900G>C (p.Glu634Gln)

Gene: COQ8A (coenzyme Q8A; plus strand). Cytogenetic location: 1q42.13.
Variant type: single nucleotide variant.
Coding change: c.1900G>C on transcript NM_020247.5 (MANE Select); coding-DNA position 1900, G replaced by C.
Protein change: p.Glu634Gln; replaces glutamic acid 634 with glutamine.
Molecular consequence: missense variant.
Genome position (GRCh38, 1-based): chr1:226,986,693, G>C. VCF-style: chr1-226986693-G-C. GRCh37 (hg19) VCF-style: chr1-227174394-G-C.
Other names: c.1900G>C (NM_020247.4); short protein forms E634Q.
Identifiers: ClinVar variation 1917815 (VCV001917815.4), dbSNP rs149335528, ClinGen allele CA1425704.
Genomic context (GRCh38, chr1:226,986,693, plus strand): 5'-GGGGGCTCCTTCCTCATCTGCTCCAAGCTGAAGGCCCGCTTCCCCTGCAAGGCCATGTTC[G>C]AGGAGGCCTACAGCAACTACTGCAAGAGGCAGGCCCAGCAGTAGGGCTGCGGGCCACGCC-3'
Protein context (NP_064632.2, residues 624-644): KARFPCKAMF[Glu634Gln]EAYSNYCKRQ

ClinVar aggregate classification (germline): Uncertain significance. Review status: criteria provided, multiple submitters, no conflicts (2 of 4 stars). 3 submissions from 3 submitters: Uncertain significance (3). Last evaluated 2024-05-16.

Submissions (3):

Athena Diagnostics
Classification: Uncertain significance. Last evaluated: 2024-05-16. Review status: criteria provided, single submitter. Criteria: Athena Diagnostics Criteria. Collection method: clinical testing. Allele origin: unknown.
Comment: Available data are insufficient to determine the clinical significance of the variant at this time. The frequency of this variant in the general population is uninformative in assessment of its pathogenicity. Polyphen and MutationTaster predict this amino acid change may be benign.

GeneDx
Classification: Uncertain significance. Last evaluated: 2024-05-01. Review status: criteria provided, single submitter. Criteria: GeneDx Variant Classification Process June 2021. Collection method: clinical testing. Allele origin: germline. Affected: yes.
Comment: Not observed at significant frequency in large population cohorts (gnomAD); In silico analysis indicates that this missense variant does not alter protein structure/function; Has not been previously published as pathogenic or benign to our knowledge

Labcorp Genetics (formerly Invitae), Labcorp
Classification: Uncertain significance. Last evaluated: 2022-08-11. Review status: criteria provided, single submitter. Criteria: Invitae Variant Classification Sherloc (09022015). Collection method: clinical testing. Allele origin: germline.
Comment: This sequence change replaces glutamic acid, which is acidic and polar, with glutamine, which is neutral and polar, at codon 634 of the COQ8A protein (p.Glu634Gln). This variant is present in population databases (rs149335528, gnomAD 0.01%). This variant has not been reported in the literature in individuals affected with COQ8A-related conditions. Advanced modeling of protein sequence and biophysical properties (such as structural, functional, and spatial information, amino acid conservation, physicochemical variation, residue mobility, and thermodynamic stability) performed at Invitae indicates that this missense variant is not expected to disrupt COQ8A protein function. In summary, the available evidence is currently insufficient to determine the role of this variant in disease. Therefore, it has been classified as a Variant of Uncertain Significance.

Literature cited by the submitters: PubMed 32958805 (cited by Athena Diagnostics).